The following is an entry in ClinVar:

NM_001393504.1(MAST3):c.813G>A (p.Met271Ile)

Gene: MAST3 (microtubule associated serine/threonine kinase 3; plus strand). Cytogenetic location: 19p13.11.
Variant type: single nucleotide variant.
Coding change: c.813G>A on transcript NM_001393504.1 (MANE Select); coding-DNA position 813, G replaced by A.
Protein change: p.Met271Ile; replaces methionine 271 with isoleucine.
Molecular consequence: missense variant.
Genome position (GRCh38, 1-based): chr19:18,124,118, G>A. VCF-style: chr19-18124118-G-A. GRCh37 (hg19) VCF-style: chr19-18234928-G-A.
Other names: c.837G>A, p.Met279Ile (NM_001393501.1); c.816G>A, p.Met272Ile (NM_001393502.1); c.813G>A, p.Met271Ile (NM_001393503.1); c.810G>A, p.Met270Ile (NM_001393505.1); c.765G>A, p.Met255Ile (NM_001393506.1, NM_001393513.1); c.792G>A, p.Met264Ile (NM_001393507.1); c.747G>A, p.Met249Ile (NM_001393508.1, NM_001393516.1); c.744G>A, p.Met248Ile (NM_001393509.1, NM_001393510.1, NM_001393512.1 and 2 more transcripts); and 4 more; short protein forms M242I, M248I, M272I, M233I, M241I, M264I, M249I, M255I.
Identifiers: ClinVar variation 5009362 (VCV005009362.1).
Genomic context (GRCh38, chr19:18,124,118, plus strand): 5'-CCGAGACTGCTTGGCCAAGTCTGGCGAGAACCTCGTCACCTCCCGCTACTTCCTAGAGAT[G>A]CAGGAGAAGCTGGAGCGGCTTCTGCAGGATGTGCGTGGTTTTTCGCATGTTGAGGTTTTG-3'
Protein context (NP_001380433.1, residues 261-281): NLVTSRYFLE[Met271Ile]QEKLERLLQD

ClinVar aggregate classification (germline): Uncertain significance (1 of 4 stars; one submission).

Submission:

GeneDx
Classification: Uncertain significance. Last evaluated: 2026-03-17. Review status: criteria provided, single submitter. Criteria: GeneDx Variant Classification Process June 2021. Collection method: clinical testing. Allele origin: germline.
Comment: Not observed at significant frequency in large population cohorts (gnomAD); In silico analysis suggests that this missense variant does not alter protein structure/function; Has not been previously published as pathogenic or benign to our knowledge